The following is an entry in ClinVar:

NM_003200.5(TCF3):c.1295C>T (p.Pro432Leu)

Gene: TCF3 (transcription factor 3; minus strand). Cytogenetic location: 19p13.3.
Variant type: single nucleotide variant.
Coding change: c.1295C>T on transcript NM_003200.5 (MANE Select); coding-DNA position 1295, C replaced by T.
Protein change: p.Pro432Leu; replaces proline 432 with leucine.
Molecular consequence: missense variant.
Genome position (GRCh38, 1-based): chr19:1,619,347, G>A on the plus strand (C>T on the coding strand, the complement: TCF3 is on the minus strand). VCF-style: chr19-1619347-G-A. GRCh37 (hg19) VCF-style: chr19-1619346-G-A.
Other names: c.1295C>T, p.Pro432Leu (NM_001136139.4, NM_001351779.2); c.1292C>T, p.Pro431Leu (NM_001351778.2); short protein forms P432L, P431L.
Identifiers: ClinVar variation 2129719 (VCV002129719.4), dbSNP rs769618130, ClinGen allele CA403052998.

ClinVar aggregate classification (germline): Uncertain significance (1 of 4 stars; one submission).

Submission:

Labcorp Genetics (formerly Invitae), Labcorp
Classification: Uncertain significance. Last evaluated: 2022-06-02. Review status: criteria provided, single submitter. Criteria: Invitae Variant Classification Sherloc (09022015). Collection method: clinical testing. Allele origin: germline.
Comment: In summary, the available evidence is currently insufficient to determine the role of this variant in disease. Therefore, it has been classified as a Variant of Uncertain Significance. Algorithms developed to predict the effect of missense changes on protein structure and function are either unavailable or do not agree on the potential impact of this missense change (SIFT: "Not Available"; PolyPhen-2: "Benign"; Align-GVGD: "Not Available"). This variant has not been reported in the literature in individuals affected with TCF3-related conditions. This variant is not present in population databases (gnomAD no frequency). This sequence change replaces proline, which is neutral and non-polar, with leucine, which is neutral and non-polar, at codon 432 of the TCF3 protein (p.Pro432Leu).